The following is an entry in ClinVar:

NM_014915.3(ANKRD26):c.4685A>C (p.Glu1562Ala)

Gene: ANKRD26 (ankyrin repeat domain containing 26; minus strand). Cytogenetic location: 10p12.1.
Variant type: single nucleotide variant.
Coding change: c.4685A>C on transcript NM_014915.3 (MANE Select); coding-DNA position 4685, A replaced by C.
Protein change: p.Glu1562Ala; replaces glutamic acid 1562 with alanine.
Molecular consequence: missense variant.
Genome position (GRCh38, 1-based): chr10:27,014,533, T>G on the plus strand (A>C on the coding strand, the complement: ANKRD26 is on the minus strand). VCF-style: chr10-27014533-T-G. GRCh37 (hg19) VCF-style: chr10-27303462-T-G.
Other names: c.4682A>C, p.Glu1561Ala (NM_001256053.2); short protein forms E1561A, E1562A.
Identifiers: ClinVar variation 3344367 (VCV003344367.1).
Genomic context (GRCh38, chr10:27,014,533, plus strand): 5'-TGATTCTATATTTTGACTTACTTGGTTAGTTTACTTGACAAAGATTTTCTAACTTTTAAT[T>G]CTTCTAGATAGAGTTGCTTATATTTTTCCAGTTCGGTTTTATTAAAGTCTTCTTGAGAAG-3'
Protein context (NP_055730.2, residues 1552-1572): LEKYKQLYLE[Glu1562Ala]LKVRKSLSSK

ClinVar aggregate classification (germline): Uncertain significance (0 of 4 stars; one submission).

Conditions:
ANKRD26-related disorder. Also called: ANKRD26-related condition.

gnomAD v4.1: 2 of 1,593,676 alleles (0.00013%); highest among the groups gnomAD compares: Non-Finnish European, 0.00017%; no homozygotes.

Submission:

PreventionGenetics, part of Exact Sciences
Classification: Uncertain significance for ANKRD26-related condition. Last evaluated: 2024-05-05. Review status: no assertion criteria provided. Collection method: clinical testing. Allele origin: germline.
Comment: The ANKRD26 c.4685A>C variant is predicted to result in the amino acid substitution p.Glu1562Ala. To our knowledge, this variant has not been reported in the literature or in a large population database, indicating this variant is rare. At this time, the clinical significance of this variant is uncertain due to the absence of conclusive functional and genetic evidence.